The following is an entry in ClinVar:

NM_032638.5(GATA2):c.866G>A (p.Cys289Tyr)

Gene: GATA2 (GATA binding protein 2; minus strand). Cytogenetic location: 3q21.3.
Variant type: single nucleotide variant.
Coding change: c.866G>A on transcript NM_032638.5 (MANE Select); coding-DNA position 866, G replaced by A.
Protein change: p.Cys289Tyr; replaces cysteine 289 with tyrosine.
Molecular consequence: missense variant.
Genome position (GRCh38, 1-based): chr3:128,485,732, C>T on the plus strand (G>A on the coding strand, the complement: GATA2 is on the minus strand). VCF-style: chr3-128485732-C-T. GRCh37 (hg19) VCF-style: chr3-128204575-C-T.
Other names: c.866G>A, p.Cys289Tyr (NM_001145661.2, NM_001145662.1); short protein forms C289Y.
Identifiers: ClinVar variation 2948515 (VCV002948515.4), dbSNP rs780479282, ClinGen allele CA2599947.

ClinVar aggregate classification (germline): Uncertain significance. Review status: criteria provided, multiple submitters, no conflicts (2 of 4 stars). 2 submissions from 2 submitters: Uncertain significance (2). Last evaluated 2025-07-31.

Conditions:
Inborn genetic diseases. Identifiers: MedGen C0950123, MeSH D030342.
Deafness-lymphedema-leukemia syndrome. Also called: Emberger syndrome; Lymphedema, primary, with myelodysplasia. Identifiers: Orphanet 3226, MedGen C3279664, MONDO:0013540, OMIM 614038.
Monocytopenia with susceptibility to infections. Also called: IMMUNODEFICIENCY 21; GATA2 DEFICIENCY; MONOCYTOPENIA AND MYCOBACTERIAL INFECTION SYNDROME; MONOCYTOPENIA WITH SUSCEPTIBILITY TO MYCOBACTERIAL, FUNGAL, AND PAPILLOMAVIRUS INFECTIONS AND MYELODYSPLASIA; COMBINED IMMUNODEFICIENCY WITH SUSCEPTIBILITY TO MYCOBACTERIAL, VIRAL, AND FUNGAL INFECTIONS; Dendritic cell, monocyte, B lymphocyte, and natural killer lymphocyte deficiency. Identifiers: Orphanet 228423, MedGen C3280030, MONDO:0013607, OMIM 614172.

Allele frequency attached by ClinVar (database versions not stated): ExAC 0.00001; gnomAD 0.00001.
gnomAD v4.1: 2 of 1,613,606 alleles (0.00012%); highest among the groups gnomAD compares: Non-Finnish European, 0.00017%; no homozygotes.

Submissions (2):

Ambry Genetics
Classification: Uncertain significance for Inborn genetic diseases. Last evaluated: 2025-07-31. Review status: criteria provided, single submitter. Criteria: Ambry Variant Classification Scheme 2023. Collection method: clinical testing. Allele origin: germline.
Comment: The p.C289Y variant (also known as c.866G>A), located in coding exon 2 of the GATA2 gene, results from a G to A substitution at nucleotide position 866. The cysteine at codon 289 is replaced by tyrosine, an amino acid with highly dissimilar properties. This amino acid position is conserved. In addition, the in silico prediction for this alteration is inconclusive. Based on the available evidence, the clinical significance of this variant remains unclear.

Labcorp Genetics (formerly Invitae), Labcorp
Classification: Uncertain significance for Monocytopenia with susceptibility to infections; Deafness-lymphedema-leukemia syndrome. Last evaluated: 2023-06-04. Review status: criteria provided, single submitter. Criteria: Invitae Variant Classification Sherloc (09022015). Collection method: clinical testing. Allele origin: germline.
Comment: This sequence change replaces cysteine, which is neutral and slightly polar, with tyrosine, which is neutral and polar, at codon 289 of the GATA2 protein (p.Cys289Tyr). In summary, the available evidence is currently insufficient to determine the role of this variant in disease. Therefore, it has been classified as a Variant of Uncertain Significance. Advanced modeling of protein sequence and biophysical properties (such as structural, functional, and spatial information, amino acid conservation, physicochemical variation, residue mobility, and thermodynamic stability) has been performed at Invitae for this missense variant, however the output from this modeling did not meet the statistical confidence thresholds required to predict the impact of this variant on GATA2 protein function. This variant has not been reported in the literature in individuals affected with GATA2-related conditions. This variant is present in population databases (rs780479282, gnomAD 0.0009%).